The following is an entry in ClinVar:

ClinVar aggregate classification (germline): Uncertain significance. Review status: criteria provided, multiple submitters, no conflicts (2 of 4 stars). 2 submissions from 2 submitters: Uncertain significance (2). Last evaluated 2024-03-23.

Allele frequency attached by ClinVar (database versions not stated): TOPMed 0.00001; gnomAD 0.00002; gnomAD exomes 0.00002.
gnomAD v4.1: 16 of 1,543,672 alleles (0.001%); highest among the groups gnomAD compares: Non-Finnish European, 0.0013%; no homozygotes.

Submissions (2):

Labcorp Genetics (formerly Invitae), Labcorp
Classification: Uncertain significance. Last evaluated: 2024-03-23. Review status: criteria provided, single submitter. Criteria: Invitae Variant Classification Sherloc (09022015). Collection method: clinical testing. Allele origin: germline.
Comment: This sequence change replaces leucine, which is neutral and non-polar, with proline, which is neutral and non-polar, at codon 524 of the CEP250 protein (p.Leu524Pro). This variant is present in population databases (no rsID available, gnomAD 0.007%). This variant has not been reported in the literature in individuals affected with CEP250-related conditions. ClinVar contains an entry for this variant (Variation ID: 1045723). An algorithm developed to predict the effect of missense changes on protein structure and function (PolyPhen-2) suggests that this variant is likely to be disruptive. Experimental studies and prediction algorithms are not available or were not evaluated, and the effect of this variant on mRNA splicing is currently unknown. In summary, the available evidence is currently insufficient to determine the role of this variant in disease. Therefore, it has been classified as a Variant of Uncertain Significance.

Blueprint Genetics
Classification: Uncertain significance. Last evaluated: 2021-10-21. Review status: criteria provided, single submitter. Criteria: ACMG Guidelines, 2015. Collection method: clinical testing. Allele origin: germline.

NM_007186.6(CEP250):c.1571T>C (p.Leu524Pro)

Genes: CEP250 (centrosomal protein 250; plus strand), CEP250-AS1 (CEP250 antisense RNA 1; minus strand). Cytogenetic location: 20q11.22.
Variant type: single nucleotide variant.
Coding change: c.1571T>C on transcript NM_007186.6 (MANE Select); coding-DNA position 1571, T replaced by C.
Protein change: p.Leu524Pro; replaces leucine 524 with proline.
Molecular consequence: missense variant. On other transcripts: 5 prime UTR variant (1).
Genome position (GRCh38, 1-based): chr20:35,474,052, T>C. VCF-style: chr20-35474052-T-C. GRCh37 (hg19) VCF-style: chr20-34061877-T-C.
Other names: c.-329T>C (NM_001318219.1); short protein forms L524P.
Identifiers: ClinVar variation 1045723 (VCV001045723.10), dbSNP rs1362624389, ClinGen allele CA408763350.